The following is an entry in ClinVar:

NM_001003694.2(BRPF1):c.85C>T (p.Arg29Ter)

Gene: BRPF1 (bromodomain and PHD finger containing 1; plus strand). Cytogenetic location: 3p25.3.
Variant type: single nucleotide variant.
Coding change: c.85C>T on transcript NM_001003694.2 (MANE Select); coding-DNA position 85, C replaced by T.
Protein change: p.Arg29Ter; replaces arginine 29 with a stop codon.
Molecular consequence: nonsense. On other transcripts: non-coding transcript variant (1).
Genome position (GRCh38, 1-based): chr3:9,734,225, C>T. VCF-style: chr3-9734225-C-T. GRCh37 (hg19) VCF-style: chr3-9775909-C-T.
Other names: c.85C>T, p.Arg29Ter (NM_001410704.1, NM_004634.3, NM_001319049.2 and 1 more transcripts); short protein forms R29*.
Identifiers: ClinVar variation 3343955 (VCV003343955.1).

ClinVar aggregate classification (germline): Pathogenic (1 of 4 stars; one submission).

Submission:

GeneDx
Classification: Pathogenic. Last evaluated: 2024-03-27. Review status: criteria provided, single submitter. Criteria: GeneDx Variant Classification Process June 2021. Collection method: clinical testing. Allele origin: germline. Affected: yes.
Comment: Reported in an individual from a large neurodevelopmental disorder cohort, but detailed clinical information and segregation were not provided (PMID: 33004838); Nonsense variant predicted to result in protein truncation or nonsense mediated decay in a gene for which loss of function is a known mechanism of disease; Not observed at significant frequency in large population cohorts (gnomAD); This variant is associated with the following publications: (PMID: 33004838)